The following is an entry in ClinVar:

ClinVar aggregate classification (germline): Uncertain significance (1 of 4 stars; one submission).

Conditions:
Familial adenomatous polyposis 1 (FAP1). Also called: POLYPOSIS, ADENOMATOUS INTESTINAL; FAMILIAL ADENOMATOUS POLYPOSIS 1, ATTENUATED. Identifiers: MedGen C2713442, MONDO:0021056, OMIM 175100. Disease mechanism: loss of function.

Submission:

Labcorp Genetics (formerly Invitae), Labcorp
Classification: Uncertain significance for Familial adenomatous polyposis 1. Last evaluated: 2019-06-04. Review status: criteria provided, single submitter. Criteria: Invitae Variant Classification Sherloc (09022015). Collection method: clinical testing. Allele origin: germline.
Comment: In summary, the available evidence is currently insufficient to determine the role of this variant in disease. Therefore, it has been classified as a Variant of Uncertain Significance. This sequence change replaces aspartic acid with glutamic acid at codon 1869 of the APC protein (p.Asp1869Glu). The aspartic acid residue is highly conserved and there is a small physicochemical difference between aspartic acid and glutamic acid. This variant is not present in population databases (ExAC no frequency). This variant has not been reported in the literature in individuals with APC-related conditions. Algorithms developed to predict the effect of missense changes on protein structure and function are either unavailable or do not agree on the potential impact of this missense change (SIFT: "Deleterious"; PolyPhen-2: "Probably Damaging"; Align-GVGD: "Class C0").

NM_000038.6(APC):c.5607T>G (p.Asp1869Glu)

Gene: APC (APC regulator of Wnt signaling pathway; plus strand). Cytogenetic location: 5q22.2.
Variant type: single nucleotide variant.
Coding change: c.5607T>G on transcript NM_000038.6 (MANE Select); coding-DNA position 5607, T replaced by G.
Protein change: p.Asp1869Glu; replaces aspartic acid 1869 with glutamic acid.
Molecular consequence: missense variant.
Genome position (GRCh38, 1-based): chr5:112,841,201, T>G. VCF-style: chr5-112841201-T-G. GRCh37 (hg19) VCF-style: chr5-112176898-T-G.
Other names: c.5607T>G, p.Asp1869Glu (NM_001127510.3, NM_001354895.2); c.5553T>G, p.Asp1851Glu (NM_001127511.3); c.5661T>G, p.Asp1887Glu (NM_001354896.2); c.5637T>G, p.Asp1879Glu (NM_001354897.2); c.5532T>G, p.Asp1844Glu (NM_001354898.2); c.5523T>G, p.Asp1841Glu (NM_001354899.2); c.5484T>G, p.Asp1828Glu (NM_001354900.2); c.5430T>G, p.Asp1810Glu (NM_001354901.2); and 5 more; short protein forms D1828E, D1709E, D1810E, D1841E, D1844E, D1869E, D1887E, D1586E.
Identifiers: ClinVar variation 933323 (VCV000933323.11), dbSNP rs745590070, ClinGen allele CA16033604.
Genomic context (GRCh38, chr5:112,841,201, plus strand): 5'-TGAAGGAACTCCTTACTGTTTTTCACGAAATGATTCTTTGAGTTCTCTAGATTTTGATGA[T>G]GATGATGTTGACCTTTCCAGGGAAAAGGCTGAATTAAGAAAGGCAAAAGAAAATAAGGAA-3'
Protein context (NP_000029.2, residues 1859-1879): NDSLSSLDFD[Asp1869Glu]DDVDLSREKA